The following is an entry in ClinVar:

NM_025215.6(PUS1):c.226_237dup (p.Glu79_Lys80insGluArgArgGlu)

Gene: PUS1 (pseudouridine synthase 1; plus strand). Cytogenetic location: 12q24.33.
Variant type: Duplication.
Coding change: c.226_237dup on transcript NM_025215.6 (MANE Select); coding-DNA positions 226 to 237, 12 bases duplicated (GAGCGGCGCGAG).
Protein change: p.Glu79_Lys80insGluArgArgGlu.
Molecular consequence: inframe insertion.
Genome position (GRCh38, 1-based): chr12:131,930,058-131,930,069, GAGCGGCGCGAG duplicated; duplicating any 12 consecutive bases within chr12:131,930,054-131,930,069 gives the same sequence; the c. name uses the placement nearest the transcript's 3' end. VCF-style (leftmost placement, unchanged base first): chr12-131930053-A-ACGAGGAGCGGCG. GRCh37 (hg19) VCF-style: chr12-132414598-A-ACGAGGAGCGGCG.
Other names: c.142_153dup, p.Glu51_Lys52insGluArgArgGlu (NM_001002019.3, NM_001002020.3).
Identifiers: ClinVar variation 5003402 (VCV005003402.1).
Genomic context (GRCh38, chr12:131,930,053, plus strand): 5'-GGGGCGACCGCGTCTGGGAGGACGGAGAACATCCGGCGAAGAAGCTCAAGAGCGGTGGCG[A>ACGAGGAGCGGCG]CGAGGAGCGGCGCGAGAAGCCGCCCAAGCGGAAGATCGTGCTGCTCATGGCCTATTCGGG-3'

ClinVar aggregate classification (germline): Uncertain significance (1 of 4 stars; one submission).

Conditions:
Myopathy, lactic acidosis, and sideroblastic anemia 1 (MLASA1). Identifiers: Orphanet 2598, MedGen C4551958, MONDO:0024553, OMIM 600462.

Submission:

Myriad Genetics, Inc.
Classification: Uncertain significance for Myopathy, lactic acidosis, and sideroblastic anemia 1. Last evaluated: 2026-08-20. Review status: criteria provided, single submitter. Criteria: Myriad Autosomal Dominant, Autosomal Recessive and X-Linked Classification Criteria (2023). Collection method: clinical testing. Allele origin: unknown.
Comment: NM_025215.5(PUS1):c.226_237dup12(E76_E79dup) is an in-frame insertion classified as a variant of uncertain significance in the context of myopathy, lactic acidosis, and sideroblastic anemia 1. E76_E79dup has not been observed in cases with relevant disease. Relevant functional assessments of this variant are not available in the literature. E76_E79dup has not been observed in referenced population frequency databases. In summary, there is insufficient evidence to classify NM_025215.5(PUS1):c.226_237dup12(E76_E79dup) as pathogenic or benign. Please note: this variant was assessed in the context of healthy population screening.